The following is an entry in ClinVar:

ClinVar aggregate classification (germline): Uncertain significance (1 of 4 stars; one submission).

Submission:

Dasa
Classification: Uncertain significance. Last evaluated: 2025-11-15. Review status: criteria provided, single submitter. Criteria: DASA Assertion Criteria. Collection method: clinical testing. Allele origin: germline.
Comment: NM_001199138.2(NLRC4):c.-118-14_-118-10del is an intronic variant. This variant is rare in population databases. The currently available literature and clinical evidence are not sufficient to establish a definitive association between this variant and the reported condition. Therefore, this variant is classified as a variant of uncertain significance.

NM_001199138.2(NLRC4):c.-118-14_-118-10del

Gene: NLRC4 (NLR family CARD domain containing 4; minus strand). Cytogenetic location: 2p22.3.
Variant type: Microsatellite.
Coding change: c.-118-14_-118-10del on transcript NM_001199138.2 (MANE Select); 14 bases into the intron before 118 bases upstream of the start codon through 10 bases into the intron before 118 bases upstream of the start codon, 5 bases deleted (TGTTT; older notation c.-118-14_-118-10delTGTTT).
Molecular consequence: intron variant.
Genome position (GRCh38, 1-based): chr2:32,256,903-32,256,907, AAACA deleted on the plus strand (TGTTT on the coding strand, the reverse complement: NLRC4 is on the minus strand); deleting any 5 consecutive bases within chr2:32,256,903-32,256,912 gives the same sequence; the c. name uses the placement nearest the transcript's 3' end. VCF-style (leftmost placement, unchanged base first): chr2-32256902-CAAACA-C. GRCh37 (hg19) VCF-style: chr2-32481971-CAAACA-C.
Other names: c.-118-14_-118-10del (NM_001302504.1, NM_021209.4, NM_001199139.1).
Identifiers: ClinVar variation 4886343 (VCV004886343.2).